The following is an entry in ClinVar:

NM_014611.3(MDN1):c.5883C>T (p.Asp1961=)

Gene: MDN1 (midasin AAA ATPase 1; minus strand). Cytogenetic location: 6q15.
Variant type: single nucleotide variant.
Coding change: c.5883C>T on transcript NM_014611.3 (MANE Select); coding-DNA position 5883, C replaced by T.
Protein change: p.Asp1961=; no amino-acid change (aspartic acid 1961 retained).
Molecular consequence: synonymous variant.
Genome position (GRCh38, 1-based): chr6:89,723,039, G>A on the plus strand (C>T on the coding strand, the complement: MDN1 is on the minus strand). VCF-style: chr6-89723039-G-A. GRCh37 (hg19) VCF-style: chr6-90432758-G-A.
Identifiers: ClinVar variation 3043397 (VCV003043397.2), dbSNP rs114985095, ClinGen allele CA3924718.

ClinVar aggregate classification (germline): Likely benign (0 of 4 stars; one submission).

Conditions:
MDN1-related disorder. Also called: MDN1-related condition.

Allele frequency attached by ClinVar (database versions not stated): 1000 Genomes Project 30x 0.00016; 1000 Genomes Project 0.00020; TOPMed 0.00022; ESP Exome Variant Server 0.00038.
gnomAD v4.1: 95 of 1,614,008 alleles (0.0059%); highest among the groups gnomAD compares: African/African-American, 0.11%; no homozygotes.

Submission:

PreventionGenetics, part of Exact Sciences
Classification: Likely benign for MDN1-related condition. Last evaluated: 2020-02-26. Review status: no assertion criteria provided. Collection method: clinical testing. Allele origin: germline.
Comment: This variant is classified as likely benign based on ACMG/AMP sequence variant interpretation guidelines (Richards et al. 2015 PMID: 25741868, with internal and published modifications).